The following is an entry in ClinVar:

NM_001283009.2(RTEL1):c.2809C>G (p.Pro937Ala)

Genes: RTEL1 (regulator of telomere elongation helicase 1; plus strand), RTEL1-TNFRSF6B (RTEL1-TNFRSF6B readthrough (NMD candidate); plus strand). Cytogenetic location: 20q13.33.
Variant type: single nucleotide variant.
Coding change: c.2809C>G on transcript NM_001283009.2 (MANE Select); coding-DNA position 2809, C replaced by G.
Protein change: p.Pro937Ala; replaces proline 937 with alanine.
Molecular consequence: missense variant. On other transcripts: non-coding transcript variant (1).
Genome position (GRCh38, 1-based): chr20:63,692,961, C>G. VCF-style: chr20-63692961-C-G. GRCh37 (hg19) VCF-style: chr20-62324314-C-G.
Other names: c.2140C>G, p.Pro714Ala (NM_001283010.1); c.2809C>G, p.Pro937Ala (NM_016434.4); c.2881C>G, p.Pro961Ala (NM_032957.5); short protein forms P714A, P937A, P961A.
Identifiers: ClinVar variation 4540385 (VCV004540385.1).
Genomic context (GRCh38, chr20:63,692,961, plus strand): 5'-CAGGCCCTGCAGGACTACAAGGGTTCCGATGACTTCGCCGCCCTGGCCGCCTGTCTCGGC[C>G]CCCTCTTTGCTGAGGACCCCAAGAAGCACAACCTGCTCCAAGGTGCCCTGGCTTGCAGAG-3'
Protein context (NP_001269938.1, residues 927-947): DFAALAACLG[Pro937Ala]LFAEDPKKHN

ClinVar aggregate classification (germline): Uncertain significance (1 of 4 stars; one submission).

gnomAD v4.1: 1 of 1,612,660 alleles (0.000062%); highest among the groups gnomAD compares: Non-Finnish European, 0.000085%; no homozygotes.

Submission:

GeneDx
Classification: Uncertain significance. Last evaluated: 2025-06-25. Review status: criteria provided, single submitter. Criteria: GeneDx Variant Classification Process June 2021. Collection method: clinical testing. Allele origin: germline. Affected: yes.
Comment: Not observed at significant frequency in large population cohorts (gnomAD); In silico analysis suggests that this missense variant does not alter protein structure/function; Has not been previously published as pathogenic or benign to our knowledge